The following is an entry in ClinVar:

NM_032444.4(SLX4):c.996G>T (p.Gln332His)

Gene: SLX4 (SLX4 structure-specific endonuclease subunit; minus strand). Cytogenetic location: 16p13.3.
Variant type: single nucleotide variant.
Coding change: c.996G>T on transcript NM_032444.4 (MANE Select); coding-DNA position 996, G replaced by T.
Protein change: p.Gln332His; replaces glutamine 332 with histidine.
Molecular consequence: missense variant.
Genome position (GRCh38, 1-based): chr16:3,601,146, C>A on the plus strand (G>T on the coding strand, the complement: SLX4 is on the minus strand). VCF-style: chr16-3601146-C-A. GRCh37 (hg19) VCF-style: chr16-3651147-C-A.
Other names: c.996G>T (LRG_503t1); short protein forms Q332H.
Identifiers: ClinVar variation 456343 (VCV000456343.16), dbSNP rs377201471, ClinGen allele CA7866662.

ClinVar aggregate classification (germline): Uncertain significance. Review status: criteria provided, multiple submitters, no conflicts (2 of 4 stars). 6 submissions from 6 submitters: Uncertain significance (6). Last evaluated 2024-09-19.

Conditions:
Fanconi anemia complementation group P. Also called: SLX4-Related Fanconi Anemia. Identifiers: Orphanet 84, MedGen C3469542, MONDO:0013499, OMIM 613951.
Fanconi anemia (FA). Also called: Fanconi's anemia. Identifiers: Orphanet 84, MedGen C0015625, MeSH D005199, MONDO:0019391.

Allele frequency attached by ClinVar (database versions not stated): gnomAD 0.00006 and 0.00007; ESP Exome Variant Server 0.00008; TOPMed 0.00008; gnomAD exomes 0.00012; 1000 Genomes Project 30x 0.00016; ExAC 0.00016; 1000 Genomes Project 0.00020.
gnomAD v4.1: 224 of 1,614,106 alleles (0.014%); highest among the groups gnomAD compares: Middle Eastern, 0.033%; no homozygotes.

Submissions (6):

Blueprint Genetics
Classification: Uncertain significance. Last evaluated: 2024-09-19. Review status: criteria provided, single submitter. Criteria: ACMG Guidelines, 2015. Collection method: clinical testing. Allele origin: germline.

Fulgent Genetics
Classification: Uncertain significance for Fanconi anemia complementation group P. Last evaluated: 2024-04-13. Review status: criteria provided, single submitter. Criteria: ACMG Guidelines, 2015. Collection method: clinical testing. Allele origin: germline.

Baylor Genetics
Classification: Uncertain significance for Fanconi anemia complementation group P. Last evaluated: 2024-03-09. Review status: criteria provided, single submitter. Criteria: ACMG Guidelines, 2015. Collection method: clinical testing. Allele origin: unknown.

Labcorp Genetics (formerly Invitae), Labcorp
Classification: Uncertain significance for Fanconi anemia. Last evaluated: 2023-11-25. Review status: criteria provided, single submitter. Criteria: Invitae Variant Classification Sherloc (09022015). Collection method: clinical testing. Allele origin: germline.
Comment: This sequence change replaces glutamine, which is neutral and polar, with histidine, which is basic and polar, at codon 332 of the SLX4 protein (p.Gln332His). This variant is present in population databases (rs377201471, gnomAD 0.02%). This variant has not been reported in the literature in individuals affected with SLX4-related conditions. ClinVar contains an entry for this variant (Variation ID: 456343). An algorithm developed to predict the effect of missense changes on protein structure and function (PolyPhen-2) suggests that this variant is likely to be disruptive. In summary, the available evidence is currently insufficient to determine the role of this variant in disease. Therefore, it has been classified as a Variant of Uncertain Significance.

Genetic Services Laboratory, University of Chicago
Classification: Uncertain significance. Last evaluated: 2021-03-19. Review status: criteria provided, single submitter. Criteria: ACMG Guidelines, 2015. Collection method: clinical testing. Allele origin: germline. Affected: no.
Comment: This sequence change does not appear to have been previously described in patients with SLX4-related disorders and has been described in the gnomAD database with a frequency of 0.02% in the European population (dbSNP rs377201471). The p.Gln332His change affects a poorly conserved amino acid residue located in a domain of the SLX4 protein that is not known to be functional. The p.Gln332His substitution appears to be benign using several in-silico pathogenicity prediction tools (SIFT, PolyPhen2, Align GVGD, REVEL). Due to the lack of functional studies, the clinical significance of the p.Gln332His change remains unknown at this time.

Illumina Laboratory Services, Illumina
Classification: Uncertain significance for Fanconi anemia complementation group P. Last evaluated: 2018-03-02. Review status: criteria provided, single submitter. Criteria: ICSL Variant Classification Criteria 13 December 2019. Collection method: clinical testing. Allele origin: germline.